The following is an entry in ClinVar:

ClinVar aggregate classification (germline): Uncertain significance (1 of 4 stars; one submission).

gnomAD v4.1: 1 of 1,590,350 alleles (0.000063%); highest among the groups gnomAD compares: Non-Finnish European, 0.000086%; no homozygotes.

Submission:

Labcorp Genetics (formerly Invitae), Labcorp
Classification: Uncertain significance. Last evaluated: 2024-06-15. Review status: criteria provided, single submitter. Criteria: Invitae Variant Classification Sherloc (09022015). Collection method: clinical testing. Allele origin: germline.
Comment: This sequence change replaces arginine, which is basic and polar, with proline, which is neutral and non-polar, at codon 2161 of the KMT2B protein (p.Arg2161Pro). This variant is not present in population databases (gnomAD no frequency). This variant has not been reported in the literature in individuals affected with KMT2B-related conditions. Advanced modeling of protein sequence and biophysical properties (such as structural, functional, and spatial information, amino acid conservation, physicochemical variation, residue mobility, and thermodynamic stability) performed at Invitae indicates that this missense variant is not expected to disrupt KMT2B protein function with a negative predictive value of 95%. In summary, the available evidence is currently insufficient to determine the role of this variant in disease. Therefore, it has been classified as a Variant of Uncertain Significance.

NM_014727.3(KMT2B):c.6482G>C (p.Arg2161Pro)

Gene: KMT2B (lysine methyltransferase 2B; plus strand). Cytogenetic location: 19q13.12.
Variant type: single nucleotide variant.
Coding change: c.6482G>C on transcript NM_014727.3 (MANE Select); coding-DNA position 6482, G replaced by C.
Protein change: p.Arg2161Pro; replaces arginine 2161 with proline.
Molecular consequence: missense variant.
Genome position (GRCh38, 1-based): chr19:35,733,031, G>C. VCF-style: chr19-35733031-G-C. GRCh37 (hg19) VCF-style: chr19-36223932-G-C.
Other names: short protein forms R2161P.
Identifiers: ClinVar variation 3647989 (VCV003647989.2).